The following is an entry in ClinVar:

NM_139057.4(ADAMTS17):c.2026T>C (p.Cys676Arg)

Gene: ADAMTS17 (ADAM metallopeptidase with thrombospondin type 1 motif 17; minus strand). Cytogenetic location: 15q26.3.
Variant type: single nucleotide variant.
Coding change: c.2026T>C on transcript NM_139057.4 (MANE Select); coding-DNA position 2026, T replaced by C.
Protein change: p.Cys676Arg; replaces cysteine 676 with arginine.
Molecular consequence: missense variant.
Genome position (GRCh38, 1-based): chr15:100,096,467, A>G on the plus strand (T>C on the coding strand, the complement: ADAMTS17 is on the minus strand). VCF-style: chr15-100096467-A-G. GRCh37 (hg19) VCF-style: chr15-100636672-A-G.
Other names: short protein forms C676R.
Identifiers: ClinVar variation 2985796 (VCV002985796.3), dbSNP rs746877774, ClinGen allele CA7757918.

ClinVar aggregate classification (germline): Uncertain significance. Review status: criteria provided, multiple submitters, no conflicts (2 of 4 stars). 2 submissions from 2 submitters: Uncertain significance (2). Last evaluated 2024-08-27.

Allele frequency attached by ClinVar (database versions not stated): ExAC 0.00001; gnomAD 0.00001; TOPMed 0.00001.
gnomAD v4.1: 14 of 1,614,068 alleles (0.00087%); highest among the groups gnomAD compares: African/African-American, 0.0013%; no homozygotes.

Submissions (2):

Blueprint Genetics
Classification: Uncertain significance. Last evaluated: 2024-08-27. Review status: criteria provided, single submitter. Criteria: ACMG Guidelines, 2015. Collection method: clinical testing. Allele origin: germline.

Labcorp Genetics (formerly Invitae), Labcorp
Classification: Uncertain significance. Last evaluated: 2023-10-03. Review status: criteria provided, single submitter. Criteria: Invitae Variant Classification Sherloc (09022015). Collection method: clinical testing. Allele origin: germline.
Comment: This sequence change replaces cysteine, which is neutral and slightly polar, with arginine, which is basic and polar, at codon 676 of the ADAMTS17 protein (p.Cys676Arg). This variant is present in population databases (rs746877774, gnomAD 0.004%). This variant has not been reported in the literature in individuals affected with ADAMTS17-related conditions. An algorithm developed to predict the effect of missense changes on protein structure and function (PolyPhen-2) suggests that this variant is likely to be disruptive. In summary, the available evidence is currently insufficient to determine the role of this variant in disease. Therefore, it has been classified as a Variant of Uncertain Significance.